The following is an entry in ClinVar:

ClinVar aggregate classification (germline): Uncertain significance (1 of 4 stars; one submission).

Submission:

Labcorp Genetics (formerly Invitae), Labcorp
Classification: Uncertain significance. Last evaluated: 2024-12-31. Review status: criteria provided, single submitter. Criteria: Invitae Variant Classification Sherloc (09022015). Collection method: clinical testing. Allele origin: germline.
Comment: This sequence change replaces methionine, which is neutral and non-polar, with valine, which is neutral and non-polar, at codon 2271 of the MTOR protein (p.Met2271Val). This variant is not present in population databases (gnomAD no frequency). This variant has not been reported in the literature in individuals affected with MTOR-related conditions. ClinVar contains an entry for this variant (Variation ID: 1062403). An algorithm developed to predict the effect of missense changes on protein structure and function (PolyPhen-2) suggests that this variant is likely to be disruptive. In summary, the available evidence is currently insufficient to determine the role of this variant in disease. Therefore, it has been classified as a Variant of Uncertain Significance.

NM_004958.4(MTOR):c.6811A>G (p.Met2271Val)

Gene: MTOR (mechanistic target of rapamycin kinase; minus strand). Cytogenetic location: 1p36.22.
Variant type: single nucleotide variant.
Coding change: c.6811A>G on transcript NM_004958.4 (MANE Select); coding-DNA position 6811, A replaced by G.
Protein change: p.Met2271Val; replaces methionine 2271 with valine.
Molecular consequence: missense variant.
Genome position (GRCh38, 1-based): chr1:11,121,368, T>C on the plus strand (A>G on the coding strand, the complement: MTOR is on the minus strand). VCF-style: chr1-11121368-T-C. GRCh37 (hg19) VCF-style: chr1-11181425-T-C.
Other names: c.6811A>G, p.Met2271Val (NM_001386500.1); c.5563A>G, p.Met1855Val (NM_001386501.1); short protein forms M1855V, M2271V.
Identifiers: ClinVar variation 1062403 (VCV001062403.9), dbSNP rs2100357236, ClinGen allele CA338385552.